The following is an entry in ClinVar:

NM_182961.4(SYNE1):c.2688G>C (p.Arg896Ser)

Gene: SYNE1 (spectrin repeat containing nuclear envelope protein 1; minus strand). Cytogenetic location: 6q25.2.
Variant type: single nucleotide variant.
Coding change: c.2688G>C on transcript NM_182961.4 (MANE Select); coding-DNA position 2688, G replaced by C.
Protein change: p.Arg896Ser; replaces arginine 896 with serine.
Molecular consequence: missense variant.
Genome position (GRCh38, 1-based): chr6:152,455,925, C>G on the plus strand (G>C on the coding strand, the complement: SYNE1 is on the minus strand). VCF-style: chr6-152455925-C-G. GRCh37 (hg19) VCF-style: chr6-152777060-C-G.
Other names: c.2709G>C, p.Arg903Ser (NM_033071.5); short protein forms R896S, R903S.
Identifiers: ClinVar variation 2939231 (VCV002939231.3), dbSNP rs766583731, ClinGen allele CA366111774.

ClinVar aggregate classification (germline): Uncertain significance (1 of 4 stars; one submission).

Conditions:
Emery-Dreifuss muscular dystrophy 4, autosomal dominant (EDMD4). Also called: EMERY-DREIFUSS MUSCULAR DYSTROPHY 4 WITH VARIABLE FEATURES. Identifiers: Orphanet 261, MedGen C2751807, MONDO:0013071, OMIM 612998.
Autosomal recessive ataxia, Beauce type. Also called: Spinocerebellar ataxia, autosomal recessive 8; ATAXIA, RECESSIVE, OF BEAUCE; SYNE1-Related Autosomal Recessive Cerebellar Ataxia; SYNE1 Deficiency. Identifiers: Orphanet 88644, MedGen C1853116, MONDO:0012549, OMIM 610743.

gnomAD v4.1: 5 of 1,614,086 alleles (0.00031%); highest among the groups gnomAD compares: African/African-American, 0.0027%; no homozygotes.

Submission:

Labcorp Genetics (formerly Invitae), Labcorp
Classification: Uncertain significance for Emery-Dreifuss muscular dystrophy 4, autosomal dominant; Autosomal recessive ataxia, Beauce type. Last evaluated: 2025-02-08. Review status: criteria provided, single submitter. Criteria: Invitae Variant Classification Sherloc (09022015). Collection method: clinical testing. Allele origin: germline.
Comment: This sequence change replaces arginine, which is basic and polar, with serine, which is neutral and polar, at codon 903 of the SYNE1 protein (p.Arg903Ser). This variant is not present in population databases (gnomAD no frequency). This variant has not been reported in the literature in individuals affected with SYNE1-related conditions. ClinVar contains an entry for this variant (Variation ID: 2939231). An algorithm developed to predict the effect of missense changes on protein structure and function (PolyPhen-2) suggests that this variant is likely to be tolerated. In summary, the available evidence is currently insufficient to determine the role of this variant in disease. Therefore, it has been classified as a Variant of Uncertain Significance.